The following is an entry in ClinVar:

NM_003982.4(SLC7A7):c.1013G>A (p.Gly338Asp)

Gene: SLC7A7 (solute carrier family 7 member 7; minus strand). Cytogenetic location: 14q11.2.
Variant type: single nucleotide variant.
Coding change: c.1013G>A on transcript NM_003982.4 (MANE Select); coding-DNA position 1013, G replaced by A.
Protein change: p.Gly338Asp; replaces glycine 338 with aspartic acid.
Molecular consequence: missense variant.
Genome position (GRCh38, 1-based): chr14:22,775,526, C>T on the plus strand (G>A on the coding strand, the complement: SLC7A7 is on the minus strand). VCF-style: chr14-22775526-C-T. GRCh37 (hg19) VCF-style: chr14-23244735-C-T.
Other names: c.1013G>A, p.Gly338Asp (NM_001126105.3, NM_001126106.4); short protein forms G338D.
Identifiers: ClinVar variation 56347 (VCV000056347.8), dbSNP rs386833795, ClinGen allele CA263757.

ClinVar aggregate classification (germline): Conflicting classifications of pathogenicity. Review status: criteria provided, conflicting classifications (1 of 4 stars). 3 submissions from 3 submitters: Likely pathogenic (1); Uncertain significance (1). 1 of the submissions does not count toward it. Last evaluated 2024-10-22.

Conditions:
SLC7A7-related disorder. Also called: SLC7A7-related condition.
Lysinuric protein intolerance (LPI). Identifiers: Orphanet 470, MedGen C0268647, MONDO:0009109, OMIM 222700.

Allele frequency attached by ClinVar (database versions not stated): gnomAD exomes below 0.00001; ExAC 0.00001.
gnomAD v4.1: 1 of 1,614,056 alleles (0.000062%); highest among the groups gnomAD compares: Non-Finnish European, 0.000085%; no homozygotes.

Submissions (3):

Labcorp Genetics (formerly Invitae), Labcorp
Classification: Uncertain significance for Lysinuric protein intolerance. Last evaluated: 2024-10-22. Review status: criteria provided, single submitter. Criteria: Invitae Variant Classification Sherloc (09022015). Collection method: clinical testing. Allele origin: germline.
Comment: This sequence change replaces glycine, which is neutral and non-polar, with aspartic acid, which is acidic and polar, at codon 338 of the SLC7A7 protein (p.Gly338Asp). This variant is present in population databases (rs386833795, gnomAD 0.0009%). This missense change has been observed in individual(s) with lysinuric protein intolerance (PMID: 10655553). It has also been observed to segregate with disease in related individuals. ClinVar contains an entry for this variant (Variation ID: 56347). An algorithm developed to predict the effect of missense changes on protein structure and function (PolyPhen-2) suggests that this variant is likely to be disruptive. In summary, the available evidence is currently insufficient to determine the role of this variant in disease. Therefore, it has been classified as a Variant of Uncertain Significance.

Blueprint Genetics
Classification: Likely pathogenic for SLC7A7-related disorders. Last evaluated: 2019-04-30. Review status: criteria provided, single submitter. Criteria: ACMG Guidelines, 2015. Collection method: clinical testing. Allele origin: germline. Affected: yes. Observed: 1 variant allele.

Juha Muilu Group; Institute for Molecular Medicine Finland (FIMM)
Classification: Likely pathogenic for Lysinuric protein intolerance. Review status: no assertion criteria provided. Collection method: not provided. Allele origin: unknown. Not counted in ClinVar's aggregate classification.
Comment: FinDis database variant: This variant was not found or characterized by our laboratory, data were collected from public sources: see reference
ClinVar note: Converted during submission from probable-pathogenic to Likely pathogenic.

Literature cited by the submitters: PubMed 10655553 (cited by Labcorp Genetics (formerly Invitae), Labcorp).